The following continues an entry in ClinVar:

NM_007294.4(BRCA1):c.5074+3A>G

Gene: BRCA1. ClinVar aggregate classification (germline): Pathogenic/Likely pathogenic. Pathogenic (2); Likely pathogenic (7).

Submissions 11 to 16 of 16:

CZECANCA consortium
Classification: Likely pathogenic for Breast and/or ovarian cancer. Last evaluated: 2019-06-11. Review status: no assertion criteria provided. Collection method: clinical testing. Allele origin: germline. Affected: yes. Observed: 1 variant allele. Not counted in ClinVar's aggregate classification.

Research Molecular Genetics Laboratory, Women's College Hospital, University of Toronto
Classification: Uncertain significance. Last evaluated: 2014-01-31. Review status: no assertion criteria provided. Collection method: research. Allele origin: germline. Affected: yes. Study: The Canadian Open Genetics Repository (COGR). Not counted in ClinVar's aggregate classification.

Breast Cancer Information Core (BIC) (BRCA1)
Classification: Uncertain significance for Breast-ovarian cancer, familial 1. Last evaluated: 1999-12-30. Review status: no assertion criteria provided. Collection method: clinical testing. Allele origin: germline. Affected: yes. Observed: 1 variant allele. Not counted in ClinVar's aggregate classification.

Brotman Baty Institute, University of Washington
No classification provided (evidence only). Condition: Breast-ovarian cancer, familial 1. Review status: no classification provided. Collection method: in vitro. Allele origin: not applicable. Functional consequence: functionally_abnormal. Not counted in ClinVar's aggregate classification.
ClinVar note: "not provided" was previously submitted as the classification for the variant. However, the classification appeared to be based only on an observation of functional data so it was converted to no classification on 2025-07-30.

Diagnostic Laboratory, Department of Genetics, University Medical Center Groningen
Classification: Pathogenic for Breast-ovarian cancer, familial, susceptibility to, 1. Review status: no assertion criteria provided. Collection method: clinical testing. Allele origin: germline. Affected: yes. Study: VKGL Data-share Consensus. Not counted in ClinVar's aggregate classification.

Joint Genome Diagnostic Labs from Nijmegen and Maastricht, Radboudumc and MUMC+
Classification: Pathogenic. Review status: no assertion criteria provided. Collection method: clinical testing. Allele origin: germline. Affected: yes. Study: VKGL Data-share Consensus. Not counted in ClinVar's aggregate classification.

Literature cited by the submitters: PubMed 21735045 (cited by 4 submitters); PubMed 30209399 (cited by 4 submitters); PubMed 31368036 (cited by 4 submitters); PubMed 32733560 (cited by 3 submitters); PubMed 36537080 (cited by 3 submitters); PubMed 24249303 (cited by 3 submitters); PubMed 29409476 (cited by 3 submitters); PubMed 32091409 (cited by 3 submitters); PubMed 34290354 (cited by Labcorp Genetics (formerly Invitae), Labcorp and Quest Diagnostics Nichols Institute San Juan Capistrano); PubMed 34326862 (cited by Labcorp Genetics (formerly Invitae), Labcorp); PubMed 17576681 (cited by Labcorp Genetics (formerly Invitae), Labcorp); PubMed 9536098 (cited by Labcorp Genetics (formerly Invitae), Labcorp); PubMed 29176636 (cited by Quest Diagnostics Nichols Institute San Juan Capistrano); PubMed 28486781 (cited by Color Diagnostics, LLC DBA Color Health); PubMed 31131967 (cited by Color Diagnostics, LLC DBA Color Health); PubMed 20104584 (cited by KCCC/NGS Laboratory, Kuwait Cancer Control Center); PubMed 32295079 (cited by CZECANCA consortium).